The following is an entry in ClinVar:

ClinVar aggregate classification (germline): Likely benign. Review status: criteria provided, multiple submitters, no conflicts (2 of 4 stars). 2 submissions from 2 submitters: Likely benign (2). Last evaluated 2023-08-24.

Conditions:
Cardiovascular phenotype. Identifiers: MedGen CN230736.

Allele frequency attached by ClinVar (database versions not stated): gnomAD exomes below 0.00001.
gnomAD v4.1: 1 of 1,614,192 alleles (0.000062%); highest among the groups gnomAD compares: Non-Finnish European, 0.000085%; no homozygotes.

Submissions (2):

Ambry Genetics
Classification: Likely benign for Cardiovascular phenotype. Last evaluated: 2023-08-24. Review status: criteria provided, single submitter. Criteria: Ambry Variant Classification Scheme 2023. Collection method: clinical testing. Allele origin: germline.

GeneDx
Classification: Likely benign. Last evaluated: 2016-04-25. Review status: criteria provided, single submitter. Criteria: GeneDx Variant Classification (06012015). Collection method: clinical testing. Allele origin: germline. Affected: yes.
Comment: This variant is considered likely benign or benign based on one or more of the following criteria: it is a conservative change, it occurs at a poorly conserved position in the protein, it is predicted to be benign by multiple in silico algorithms, and/or has population frequency not consistent with disease.

NM_001103.4(ACTN2):c.1215G>A (p.Lys405=)

Gene: ACTN2 (actinin alpha 2; plus strand). Cytogenetic location: 1q43.
Variant type: single nucleotide variant.
Coding change: c.1215G>A on transcript NM_001103.4 (MANE Select); coding-DNA position 1215, G replaced by A.
Protein change: p.Lys405=; no amino-acid change (lysine 405 retained).
Molecular consequence: synonymous variant.
Genome position (GRCh38, 1-based): chr1:236,743,003, G>A. VCF-style: chr1-236743003-G-A. GRCh37 (hg19) VCF-style: chr1-236906303-G-A.
Other names: c.1215G>A, p.Lys405= (NM_001278343.2); c.591G>A, p.Lys197= (NM_001278344.2).
Identifiers: ClinVar variation 385789 (VCV000385789.3), dbSNP rs1057522332, ClinGen allele CA16603609.